The following is an entry in ClinVar:

NM_177438.3(DICER1):c.144+3A>G

Gene: DICER1 (dicer 1, ribonuclease III; minus strand). Cytogenetic location: 14q32.13.
Variant type: single nucleotide variant.
Coding change: c.144+3A>G on transcript NM_177438.3 (MANE Select); 3 bases into the intron after coding-DNA position 144, A replaced by G.
Molecular consequence: intron variant.
Genome position (GRCh38, 1-based): chr14:95,133,312, T>C on the plus strand (A>G on the coding strand, the complement: DICER1 is on the minus strand). VCF-style: chr14-95133312-T-C. GRCh37 (hg19) VCF-style: chr14-95599649-T-C.
Other names: c.144+3A>G (NM_030621.4, NM_001271282.3, NM_001195573.1 and 2 more transcripts).
Identifiers: ClinVar variation 1051737 (VCV001051737.9), dbSNP rs2140295035, ClinGen allele CA2499222833.

ClinVar aggregate classification (germline): Uncertain significance. Review status: criteria provided, multiple submitters, no conflicts (2 of 4 stars). 2 submissions from 2 submitters: Uncertain significance (2). Last evaluated 2024-11-09.

Conditions:
DICER1-related tumor predisposition. Also called: DICER1-related pleuropulmonary blastoma cancer predisposition syndrome; DICER1 syndrome. Identifiers: Orphanet 284343, MedGen C3839822, MONDO:0100216.
Hereditary cancer-predisposing syndrome. Also called: Hereditary Cancer Syndrome; Tumor predisposition; Hereditary neoplastic syndrome; Neoplastic Syndromes, Hereditary. Identifiers: Orphanet 140162, MedGen C0027672, MeSH D009386, MONDO:0015356.

Allele frequency attached by ClinVar (database versions not stated): gnomAD exomes below 0.00001.
gnomAD v4.1: 1 of 1,614,060 alleles (0.000062%); highest among the groups gnomAD compares: Non-Finnish European, 0.000085%; no homozygotes.

Submissions (2):

Ambry Genetics
Classification: Uncertain significance for Hereditary cancer-predisposing syndrome. Last evaluated: 2024-11-09. Review status: criteria provided, single submitter. Criteria: Ambry Variant Classification Scheme 2023. Collection method: clinical testing. Allele origin: germline.
Comment: The c.144+3A>G intronic variant results from an A to G substitution 3 nucleotides after coding exon 1 in the DICER1 gene. This nucleotide position is highly conserved in available vertebrate species. In silico splice site analysis for this alteration is inconclusive. Based on the available evidence, the clinical significance of this variant remains unclear.

Labcorp Genetics (formerly Invitae), Labcorp
Classification: Uncertain significance for DICER1-related tumor predisposition. Last evaluated: 2021-02-12. Review status: criteria provided, single submitter. Criteria: Invitae Variant Classification Sherloc (09022015). Collection method: clinical testing. Allele origin: germline.
Comment: In summary, the available evidence is currently insufficient to determine the role of this variant in disease. Therefore, it has been classified as a Variant of Uncertain Significance. Nucleotide substitutions within the consensus splice site are a relatively common cause of aberrant splicing (PMID: 17576681, 9536098). Algorithms developed to predict the effect of sequence changes on RNA splicing suggest that this variant may disrupt the consensus splice site, but this prediction has not been confirmed by published transcriptional studies. This variant has not been reported in the literature in individuals with DICER1-related conditions. This variant is not present in population databases (ExAC no frequency). This sequence change falls in intron 2 of the DICER1 gene. It does not directly change the encoded amino acid sequence of the DICER1 protein, but it affects a nucleotide within the consensus splice site of the intron.

Literature cited by the submitters: PubMed 17576681 (cited by Labcorp Genetics (formerly Invitae), Labcorp); PubMed 9536098 (cited by Labcorp Genetics (formerly Invitae), Labcorp).